The following is an entry in ClinVar:

NM_001458.5(FLNC):c.6702C>T (p.Phe2234=)

Genes: FLNC (filamin C; plus strand), FLNC-AS1 (FLNC antisense RNA 1; minus strand). Cytogenetic location: 7q32.1.
Variant type: single nucleotide variant.
Coding change: c.6702C>T on transcript NM_001458.5 (MANE Select); coding-DNA position 6702, C replaced by T.
Protein change: p.Phe2234=; no amino-acid change (phenylalanine 2234 retained).
Molecular consequence: synonymous variant.
Genome position (GRCh38, 1-based): chr7:128,854,191, C>T. VCF-style: chr7-128854191-C-T. GRCh37 (hg19) VCF-style: chr7-128494245-C-T.
Other names: c.6603C>T, p.Phe2201= (NM_001127487.2).
Identifiers: ClinVar variation 472137 (VCV000472137.17), dbSNP rs370589662, ClinGen allele CA4476048.

ClinVar aggregate classification (germline): Likely benign. Review status: criteria provided, multiple submitters, no conflicts (2 of 4 stars). 6 submissions from 6 submitters: Likely benign (6). Last evaluated 2026-03-13.

Conditions:
Myofibrillar myopathy 5. Also called: FILAMINOPATHY, AUTOSOMAL DOMINANT; Filaminopathy (type). Identifiers: Orphanet 171445, MedGen C1836050, MONDO:0012289, OMIM 609524.
Hypertrophic cardiomyopathy 26. Also called: Cardiomyopathy, familial hypertrophic, 26. Identifiers: Orphanet 75249, MedGen C4310749, MONDO:0014883, OMIM 617047.
Distal myopathy with posterior leg and anterior hand involvement. Also called: WILLIAMS DISTAL MYOPATHY. Identifiers: Orphanet 63273, MedGen C3279722, MONDO:0013550, OMIM 614065.
FLNC-related disorder. Also called: FLNC-related disorders; FLNC-related condition.
Cardiovascular phenotype. Identifiers: MedGen CN230736.

Allele frequency attached by ClinVar (database versions not stated): gnomAD 0.00003 and 0.00004; TOPMed 0.00003; ExAC 0.00004.
gnomAD v4.1: 20 of 1,607,730 alleles (0.0012%); highest among the groups gnomAD compares: Admixed American, 0.013%; no homozygotes.

Submissions (6):

Women's Health and Genetics/Laboratory Corporation of America, LabCorp
Classification: Likely benign. Last evaluated: 2026-03-13. Review status: criteria provided, single submitter. Criteria: LabCorp Variant Classification Summary - May 2015. Collection method: clinical testing. Allele origin: germline.

Labcorp Genetics (formerly Invitae), Labcorp
Classification: Likely benign for Distal myopathy with posterior leg and anterior hand involvement; Myofibrillar myopathy 5; Hypertrophic cardiomyopathy 26. Last evaluated: 2026-01-18. Review status: criteria provided, single submitter. Criteria: Invitae Variant Classification Sherloc (09022015). Collection method: clinical testing. Allele origin: germline.

PreventionGenetics, part of Exact Sciences
Classification: Likely benign for FLNC-related condition. Last evaluated: 2025-09-16. Review status: criteria provided, single submitter. Criteria: ACMG Guidelines, 2015. Collection method: clinical testing. Allele origin: germline.
Comment: This variant is classified as likely benign based on ACMG/AMP sequence variant interpretation guidelines (Richards et al. 2015 PMID: 25741868, with internal and published modifications).

Molecular Diagnostic Laboratory for Inherited Cardiovascular Disease, Montreal Heart Institute
Classification: Likely benign. Last evaluated: 2025-04-09. Review status: criteria provided, single submitter. Criteria: ACMG Guidelines, 2015. Collection method: clinical testing. Allele origin: germline. Affected: no.
Comment: BP6;BP7

Ambry Genetics
Classification: Likely benign for Cardiovascular phenotype. Last evaluated: 2022-07-27. Review status: criteria provided, single submitter. Criteria: Ambry Variant Classification Scheme 2023. Collection method: clinical testing. Allele origin: germline.

Athena Diagnostics
Classification: Likely benign. Last evaluated: 2020-12-15. Review status: criteria provided, single submitter. Criteria: Athena Diagnostics criteria. Collection method: clinical testing. Allele origin: unknown.